The following is an entry in ClinVar:

NM_000501.4(ELN):c.1372G>A (p.Ala458Thr)

Gene: ELN (elastin; plus strand). Cytogenetic location: 7q11.23.
Variant type: single nucleotide variant.
Coding change: c.1372G>A on transcript NM_000501.4 (MANE Select); coding-DNA position 1372, G replaced by A.
Protein change: p.Ala458Thr; replaces alanine 458 with threonine.
Molecular consequence: missense variant. On other transcripts: intron variant (7).
Genome position (GRCh38, 1-based): chr7:74,057,654, G>A. VCF-style: chr7-74057654-G-A. GRCh37 (hg19) VCF-style: chr7-73471984-G-A.
Other names: c.1387G>A, p.Ala463Thr (NM_001081754.3); c.1372G>A, p.Ala458Thr (NM_001278912.2, NM_001278915.2); c.1342G>A, p.Ala448Thr (NM_001278917.2); c.1459G>A, p.Ala487Thr (NM_001278939.2); c.1372+941G>A (NM_001081753.3); c.1357+941G>A (NM_001081755.3); c.1315+941G>A (NM_001278916.2); c.1171+941G>A (NM_001278913.2); and 3 more; short protein forms A448T, A458T, A463T, A487T.
Identifiers: ClinVar variation 2839698 (VCV002839698.3), dbSNP rs2486126755, ClinGen allele CA367882865.

ClinVar aggregate classification (germline): Uncertain significance (1 of 4 stars; one submission).

Conditions:
Supravalvar aortic stenosis (SVAS). Also called: Supravalvar aortic stenosis, Eisenberg type. Identifiers: Orphanet 3193, MedGen C0003499, MONDO:0008504, OMIM 185500, HP:0004381.

Submission:

Labcorp Genetics (formerly Invitae), Labcorp
Classification: Uncertain significance for Supravalvar aortic stenosis. Last evaluated: 2023-03-20. Review status: criteria provided, single submitter. Criteria: Invitae Variant Classification Sherloc (09022015). Collection method: clinical testing. Allele origin: germline.
Comment: This sequence change replaces alanine, which is neutral and non-polar, with threonine, which is neutral and polar, at codon 487 of the ELN protein (p.Ala487Thr). This variant is not present in population databases (gnomAD no frequency). This variant has not been reported in the literature in individuals affected with ELN-related conditions. Advanced modeling of protein sequence and biophysical properties (such as structural, functional, and spatial information, amino acid conservation, physicochemical variation, residue mobility, and thermodynamic stability) performed at Invitae indicates that this missense variant is not expected to disrupt ELN protein function. In summary, the available evidence is currently insufficient to determine the role of this variant in disease. Therefore, it has been classified as a Variant of Uncertain Significance.